The following is an entry in ClinVar:

NM_000232.5(SGCB):c.465A>G (p.Val155=)

Gene: SGCB (sarcoglycan beta; minus strand). Cytogenetic location: 4q12.
Variant type: single nucleotide variant.
Coding change: c.465A>G on transcript NM_000232.5 (MANE Select); coding-DNA position 465, A replaced by G.
Protein change: p.Val155=; no amino-acid change (valine 155 retained).
Molecular consequence: synonymous variant.
Genome position (GRCh38, 1-based): chr4:52,028,886, T>C on the plus strand (A>G on the coding strand, the complement: SGCB is on the minus strand). VCF-style: chr4-52028886-T-C. GRCh37 (hg19) VCF-style: chr4-52895052-T-C.
Other names: c.465A>G (NM_000232.4).
Identifiers: ClinVar variation 1150047 (VCV001150047.12), dbSNP rs774413452, ClinGen allele CA2918385.

ClinVar aggregate classification (germline): Likely benign. Review status: criteria provided, multiple submitters, no conflicts (2 of 4 stars). 3 submissions from 3 submitters: Likely benign (2). 1 of the submissions does not count toward it. Last evaluated 2024-06-27.

Conditions:
SGCB-related disorder. Also called: SGCB-related condition.
Autosomal recessive limb-girdle muscular dystrophy type 2E (LGMDR4). Also called: MUSCULAR DYSTROPHY, LIMB-GIRDLE, AUTOSOMAL RECESSIVE 4. Identifiers: Orphanet 119, MedGen C1858593, MONDO:0011423, OMIM 604286. Disease mechanism: Affects gamma-sarcoglycan and also disrupts the integrity of the entire sarcoglycan complex..

Allele frequency attached by ClinVar (database versions not stated): ExAC 0.00001; gnomAD 0.00001; gnomAD exomes 0.00001 and 0.00005.
gnomAD v4.1: 75 of 1,613,918 alleles (0.0046%); highest among the groups gnomAD compares: Non-Finnish European, 0.0064%; no homozygotes.

Submissions (3):

Blueprint Genetics
Classification: Likely benign. Last evaluated: 2024-06-27. Review status: criteria provided, single submitter. Criteria: ACMG Guidelines, 2015. Collection method: clinical testing. Allele origin: germline.

Labcorp Genetics (formerly Invitae), Labcorp
Classification: Likely benign for Autosomal recessive limb-girdle muscular dystrophy type 2E. Last evaluated: 2024-03-09. Review status: criteria provided, single submitter. Criteria: Invitae Variant Classification Sherloc (09022015). Collection method: clinical testing. Allele origin: germline.

PreventionGenetics, part of Exact Sciences
Classification: Likely benign for SGCB-related condition. Last evaluated: 2019-12-02. Review status: no assertion criteria provided. Collection method: clinical testing. Allele origin: germline. Not counted in ClinVar's aggregate classification.
Comment: This variant is classified as likely benign based on ACMG/AMP sequence variant interpretation guidelines (Richards et al. 2015 PMID: 25741868, with internal and published modifications).